The following is an entry in ClinVar:

NM_020442.6(VARS2):c.1656T>C (p.Val552=)

Gene: VARS2 (valyl-tRNA synthetase 2, mitochondrial; plus strand). Cytogenetic location: 6p21.33.
Variant type: single nucleotide variant.
Coding change: c.1656T>C on transcript NM_020442.6 (MANE Select); coding-DNA position 1656, T replaced by C.
Protein change: p.Val552=; no amino-acid change (valine 552 retained).
Molecular consequence: synonymous variant.
Genome position (GRCh38, 1-based): chr6:30,921,612, T>C. VCF-style: chr6-30921612-T-C. GRCh37 (hg19) VCF-style: chr6-30889389-T-C.
Other names: c.1236T>C, p.Val412= (NM_001167733.3); c.1746T>C, p.Val582= (NM_001167734.2).
Identifiers: ClinVar variation 380156 (VCV000380156.15), dbSNP rs2074511, ClinGen allele CA3705995.

ClinVar aggregate classification (germline): Benign. Review status: criteria provided, multiple submitters, no conflicts (2 of 4 stars). 4 submissions from 4 submitters: Benign (3). 1 of the submissions does not count toward it. Last evaluated 2026-02-03.

Allele frequency attached by ClinVar (database versions not stated): ESP Exome Variant Server 0.14873; gnomAD 0.18932 and 0.20281; gnomAD exomes 0.19362 and 0.26937; TOPMed 0.20347; ExAC 0.29664; 1000 Genomes Project 30x 0.32901; 1000 Genomes Project 0.33786.
gnomAD v4.1: 314,402 of 1,606,782 alleles (20%); highest among the groups gnomAD compares: East Asian, 56%; 39,175 homozygotes.

Submissions (4):

Labcorp Genetics (formerly Invitae), Labcorp
Classification: Benign. Last evaluated: 2026-02-03. Review status: criteria provided, single submitter. Criteria: Invitae Variant Classification Sherloc (09022015). Collection method: clinical testing. Allele origin: germline.

Unidad de Genómica Garrahan, Hospital de Pediatría Garrahan
Classification: Benign. Last evaluated: 2024-07-31. Review status: criteria provided, single submitter. Criteria: ACMG Guidelines, 2015. Collection method: clinical testing. Allele origin: germline. Affected: no. Observed: 51 variant alleles.
Comment: This variant is classified as Benign based on local population frequency. This variant was detected in 55% of patients studied in a panel designed for Epileptic and Developmental Encephalopathy, Progressive Myoclonus Epilepsy and Abnormal Movements and Neurodegeneration with brain iron accumulation. Number of patients: 51. Only high quality variants are reported.

GeneDx
Classification: Benign. Last evaluated: 2015-12-22. Review status: criteria provided, single submitter. Criteria: GeneDx Variant Classification (06012015). Collection method: clinical testing. Allele origin: germline. Affected: yes.
Comment: This variant is considered likely benign or benign based on one or more of the following criteria: it is a conservative change, it occurs at a poorly conserved position in the protein, it is predicted to be benign by multiple in silico algorithms, and/or has population frequency not consistent with disease.

Mayo Clinic Laboratories, Mayo Clinic
Classification: Benign. Last evaluated: 2016-02-23. Review status: no assertion criteria provided. Collection method: clinical testing. Allele origin: unknown. Not counted in ClinVar's aggregate classification.